The following is an entry in ClinVar:

ClinVar aggregate classification (germline): Uncertain significance (1 of 4 stars; one submission).

Conditions:
Retinoblastoma (RB1). Also called: RETINOBLASTOMA, SOMATIC. Identifiers: Orphanet 790, MedGen C0035335, MeSH D012175, MONDO:0008380, OMIM 180200, HP:0009919. Disease mechanism: loss of function. Inheritance: Both sporadic and heritable forms are tested..

Submission:

Labcorp Genetics (formerly Invitae), Labcorp
Classification: Uncertain significance for Retinoblastoma. Last evaluated: 2023-07-25. Review status: criteria provided, single submitter. Criteria: Invitae Variant Classification Sherloc (09022015). Collection method: clinical testing. Allele origin: germline.
Comment: This sequence change replaces phenylalanine, which is neutral and non-polar, with leucine, which is neutral and non-polar, at codon 570 of the RB1 protein (p.Phe570Leu). This variant is not present in population databases (gnomAD no frequency). This variant has not been reported in the literature in individuals affected with RB1-related conditions. Advanced modeling of protein sequence and biophysical properties (such as structural, functional, and spatial information, amino acid conservation, physicochemical variation, residue mobility, and thermodynamic stability) performed at Invitae indicates that this missense variant is not expected to disrupt RB1 protein function. In summary, the available evidence is currently insufficient to determine the role of this variant in disease. Therefore, it has been classified as a Variant of Uncertain Significance.

NM_000321.3(RB1):c.1710T>A (p.Phe570Leu)

Gene: RB1 (RB transcriptional corepressor 1; plus strand). Cytogenetic location: 13q14.2.
Variant type: single nucleotide variant.
Coding change: c.1710T>A on transcript NM_000321.3 (MANE Select); coding-DNA position 1710, T replaced by A.
Protein change: p.Phe570Leu; replaces phenylalanine 570 with leucine.
Molecular consequence: missense variant.
Genome position (GRCh38, 1-based): chr13:48,453,007, T>A. VCF-style: chr13-48453007-T-A. GRCh37 (hg19) VCF-style: chr13-49027143-T-A.
Other names: c.1710T>A, p.Phe570Leu (NM_001407165.1); short protein forms F570L.
Identifiers: ClinVar variation 2746567 (VCV002746567.3), dbSNP rs2542360611, ClinGen allele CA388165450.